The following is an entry in ClinVar:

NM_001135146.2(SLC39A8):c.1233+169C>T

Gene: SLC39A8 (solute carrier family 39 member 8; minus strand). Cytogenetic location: 4q24.
Variant type: single nucleotide variant.
Coding change: c.1233+169C>T on transcript NM_001135146.2 (MANE Select); 169 bases into the intron after coding-DNA position 1233, C replaced by T.
Molecular consequence: intron variant.
Genome position (GRCh38, 1-based): chr4:102,267,321, G>A on the plus strand (C>T on the coding strand, the complement: SLC39A8 is on the minus strand). VCF-style: chr4-102267321-G-A. GRCh37 (hg19) VCF-style: chr4-103188478-G-A.
Other names: c.1233+169C>T (NM_001135147.1, NM_022154.5); c.1032+169C>T (NM_001135148.2).
Identifiers: ClinVar variation 1706884 (VCV001706884.2), dbSNP rs116767419, ClinGen allele CA102673929.
Genomic context (GRCh38, chr4:102,267,321, plus strand): 5'-CTTCAAACAATACGATTATGTTTTAAAGAACCAGTGAGGATCAGTTTCAAATTACTATTA[G>A]TGTAAACTACTCAAGTAGAATGATCTGTTGAAATGGGATTGTTCTGAATTACAACAGAAA-3'

ClinVar aggregate classification (germline): Likely benign (1 of 4 stars; one submission).

Allele frequency attached by ClinVar (database versions not stated): 1000 Genomes Project 30x 0.00344; 1000 Genomes Project 0.00359; TOPMed 0.00640; gnomAD 0.00841.
gnomAD v4.1: 1,282 of 152,314 alleles (0.84%); highest among the groups gnomAD compares: Non-Finnish European, 1.3%; 7 homozygotes.

Submission:

GeneDx
Classification: Likely benign. Last evaluated: 2019-04-09. Review status: criteria provided, single submitter. Criteria: GeneDx Variant Classification Process June 2021. Collection method: clinical testing. Allele origin: germline. Affected: yes.
Comment: See Variant Classification Assertion Criteria.